The following is an entry in ClinVar:

NM_032383.5(HPS3):c.2440C>T (p.Gln814Ter)

Genes: CP (ceruloplasmin; minus strand), HPS3 (HPS3 biogenesis of lysosomal organelles complex 2 subunit 1; plus strand). Cytogenetic location: 3q24.
Variant type: single nucleotide variant.
Coding change: c.2440C>T on transcript NM_032383.5 (MANE Select); coding-DNA position 2440, C replaced by T.
Protein change: p.Gln814Ter; replaces glutamine 814 with a stop codon.
Molecular consequence: nonsense. On other transcripts: non-coding transcript variant (1).
Genome position (GRCh38, 1-based): chr3:149,162,837, C>T. VCF-style: chr3-149162837-C-T. GRCh37 (hg19) VCF-style: chr3-148880624-C-T.
Other names: c.1945C>T, p.Gln649Ter (NM_001308258.2); short protein forms Q649*, Q814*.
Identifiers: ClinVar variation 2676090 (VCV002676090.3), dbSNP rs2473124553, ClinGen allele CA354924572.

ClinVar aggregate classification (germline): Pathogenic/Likely pathogenic. Review status: criteria provided, multiple submitters, no conflicts (2 of 4 stars). 3 submissions from 3 submitters: Pathogenic (1); Likely pathogenic (2). Last evaluated 2024-06-06.

Conditions:
Hermansky-Pudlak syndrome 3 (HPS3). Identifiers: Orphanet 231512, Orphanet 79430, MedGen C3888001, MONDO:0013555, OMIM 614072.

Submissions (3):

Fulgent Genetics
Classification: Likely pathogenic for Hermansky-Pudlak syndrome 3. Last evaluated: 2024-06-06. Review status: criteria provided, single submitter. Criteria: ACMG Guidelines, 2015. Collection method: clinical testing. Allele origin: germline.

Myriad Genetics, Inc.
Classification: Pathogenic for Hermansky-Pudlak syndrome 3. Last evaluated: 2024-01-06. Review status: criteria provided, single submitter. Criteria: Myriad Autosomal Dominant, Autosomal Recessive and X-Linked Classification Criteria (2023). Collection method: clinical testing. Allele origin: unknown.
Comment: NM_032383.3(HPS3):c.2440C>T(Q814*) is expected to be pathogenic in the context of Hermansky-Pudlak syndrome, HPS3-related. This variant is predicted to lead to an abnormal or absent protein product due to the creation of a premature termination codon in HPS3, a gene where loss-of-function variants are known to be pathogenic. Please note: this variant was assessed in the context of healthy population screening.

Baylor Genetics
Classification: Likely pathogenic for Hermansky-Pudlak syndrome 3. Last evaluated: 2023-01-28. Review status: criteria provided, single submitter. Criteria: ACMG Guidelines, 2015. Collection method: clinical testing. Allele origin: unknown.